The following is an entry in ClinVar:

GRCh38/hg38 6q27(chr6:167963618-168157198)x3

Genes: AFDN (afadin, adherens junction formation factor; plus strand), FRMD1 (FERM domain containing 1; minus strand), HGC6.3 (uncharacterized LOC100128124; minus strand), KIF25 (kinesin family member 25; plus strand), KIF25-AS1 (KIF25 antisense RNA 1; minus strand) and 2 more. Cytogenetic location: 6q27.
Variant type: copy number gain.
Change: copy number 3 (three copies instead of two) of chr6:167,963,618-168,157,198 (193.6 kb, GRCh38 coordinates, 1-based), cytogenetic band 6q27.
Identifiers: ClinVar variation 149353 (VCV000149353.2).

ClinVar aggregate classification (germline): Benign/Likely benign (0 of 4 stars; one submission).

Submission:

ISCA site 4
Classification: Benign/Likely benign. Last evaluated: 2012-09-21. Review status: no assertion criteria provided. Collection method: clinical testing. Allele origin: unknown. Affected: yes. Observed: 11 variant alleles. Clinical features observed: Global developmental delay (HP:0001263), Unilateral cleft lip (HP:0100333), Intellectual disability (HP:0001249), Poor coordination (HP:0002370), Microcephaly (HP:0000252), Nonprogressive encephalopathy (HP:0007030), Autistic behavior (HP:0000729), Developmental delay AND/OR other significant developmental or morphological phenotypes, Abnormality of head and neck (HP:0000152).
Comment: Likely benign (10), Benign (1)

Copy number variation identified through the course of routine clinical cytogenomic testing in postnatal populations, with clinical assertions as classified by the original submitter.